The following is an entry in ClinVar:

NM_001130987.2(DYSF):c.3968C>A (p.Thr1323Lys)

Gene: DYSF (dysferlin; plus strand). Cytogenetic location: 2p13.2.
Variant type: single nucleotide variant.
Coding change: c.3968C>A on transcript NM_001130987.2 (MANE Select); coding-DNA position 3968, C replaced by A.
Protein change: p.Thr1323Lys; replaces threonine 1323 with lysine.
Molecular consequence: missense variant.
Genome position (GRCh38, 1-based): chr2:71,611,255, C>A. VCF-style: chr2-71611255-C-A. GRCh37 (hg19) VCF-style: chr2-71838385-C-A.
Other names: c.3917C>A, p.Thr1306Lys (NM_001130455.2, NM_001130983.2); c.3872C>A, p.Thr1291Lys (NM_001130976.2, NM_001130977.2); c.3914C>A, p.Thr1305Lys (NM_001130978.2, NM_003494.4); c.4007C>A, p.Thr1336Lys (NM_001130979.2); c.3965C>A, p.Thr1322Lys (NM_001130980.2, NM_001130981.2); c.4010C>A, p.Thr1337Lys (NM_001130982.2); c.3875C>A, p.Thr1292Lys (NM_001130984.2, NM_001130986.2); c.3968C>A, p.Thr1323Lys (NM_001130985.2); short protein forms T1305K, T1323K, T1322K, T1336K, T1291K, T1292K, T1306K, T1337K.
Identifiers: ClinVar variation 287175 (VCV000287175.61), dbSNP rs116426399, ClinGen allele CA1706829.

ClinVar aggregate classification (germline): Conflicting classifications of pathogenicity. Review status: criteria provided, conflicting classifications (1 of 4 stars). 8 submissions from 8 submitters: Uncertain significance (1); Benign (1); Likely benign (5). 1 of the submissions does not count toward it. Last evaluated 2026-01-24.

Conditions:
DYSF-related disorder. Also called: DYSF-related condition; DYSF-related disorders.
Inborn genetic diseases. Identifiers: MedGen C0950123, MeSH D030342.
Neuromuscular disease caused by qualitative or quantitative defects of dysferlin. Also called: Dysferlinopathy; Qualitative or quantitative defects of dysferlin. Identifiers: Orphanet 207073, MedGen C2931687, MONDO:0016145.

Allele frequency attached by ClinVar (database versions not stated): gnomAD exomes 0.00044; ESP Exome Variant Server 0.00161; gnomAD 0.00189 and 0.00200; 1000 Genomes Project 0.00200; 1000 Genomes Project 30x 0.00203; TOPMed 0.00208.
gnomAD v4.1: 558 of 1,613,568 alleles (0.035%); highest among the groups gnomAD compares: African/African-American, 0.65%; no homozygotes.

Submissions (8):

Labcorp Genetics (formerly Invitae), Labcorp
Classification: Likely benign for Neuromuscular disease caused by qualitative or quantitative defects of dysferlin. Last evaluated: 2026-01-24. Review status: criteria provided, single submitter. Criteria: Invitae Variant Classification Sherloc (09022015). Collection method: clinical testing. Allele origin: germline.

Ambry Genetics
Classification: Uncertain significance for Inborn genetic diseases. Last evaluated: 2024-11-12. Review status: criteria provided, single submitter. Criteria: Ambry Variant Classification Scheme 2023. Collection method: clinical testing. Allele origin: germline.

Athena Diagnostics
Classification: Likely benign. Last evaluated: 2024-01-30. Review status: criteria provided, single submitter. Criteria: Athena Diagnostics Criteria. Collection method: clinical testing. Allele origin: unknown.

CeGaT Center for Human Genetics Tuebingen
Classification: Likely benign. Last evaluated: 2020-09-01. Review status: criteria provided, single submitter. Criteria: CeGaT Center For Human Genetics Tuebingen Variant Classification Criteria Version 2. Collection method: clinical testing. Allele origin: germline. Affected: yes. Observed: 1 variant allele.

GeneDx
Classification: Likely benign. Last evaluated: 2019-07-08. Review status: criteria provided, single submitter. Criteria: GeneDx Variant Classification Process June 2021. Collection method: clinical testing. Allele origin: germline. Affected: yes.

Illumina Laboratory Services, Illumina
Classification: Likely benign for Qualitative or quantitative defects of dysferlin. Last evaluated: 2017-04-27. Review status: criteria provided, single submitter. Criteria: ICSL Variant Classification Criteria 13 December 2019. Collection method: clinical testing. Allele origin: germline.
Comment: This variant was observed as part of a predisposition screen in an ostensibly healthy population. A literature search was performed for the gene, cDNA change, and amino acid change (where applicable). No publications were found based on this search. Allele frequency data from public databases allowed determination this variant is unlikely to cause disease. Therefore, this variant is classified as likely benign.

Eurofins Ntd Llc (ga)
Classification: Benign. Last evaluated: 2016-07-01. Review status: criteria provided, single submitter. Criteria: EGL Classification Definitions 2015. Collection method: clinical testing. Allele origin: germline. Observed: 1 variant allele, 1 heterozygote.

PreventionGenetics, part of Exact Sciences
Classification: Likely benign for DYSF-related condition. Last evaluated: 2019-12-18. Review status: no assertion criteria provided. Collection method: clinical testing. Allele origin: germline. Not counted in ClinVar's aggregate classification.
Comment: This variant is classified as likely benign based on ACMG/AMP sequence variant interpretation guidelines (Richards et al. 2015 PMID: 25741868, with internal and published modifications).